The following is an entry in ClinVar:

ClinVar aggregate classification (germline): Likely benign (1 of 4 stars; one submission).

Submission:

CeGaT Center for Human Genetics Tuebingen
Classification: Likely benign. Last evaluated: 2026-04-01. Review status: criteria provided, single submitter. Criteria: CeGaT Center For Human Genetics Tuebingen Variant Classification Criteria Version 2. Collection method: clinical testing. Allele origin: germline. Affected: yes. Observed: 1 variant allele.
Comment: AHNAK2: BP4, BP7

NM_138420.4(AHNAK2):c.4341G>C (p.Val1447=)

Gene: AHNAK2 (AHNAK nucleoprotein 2; minus strand). Cytogenetic location: 14q32.33.
Variant type: single nucleotide variant.
Coding change: c.4341G>C on transcript NM_138420.4 (MANE Select); coding-DNA position 4341, G replaced by C.
Protein change: p.Val1447=; no amino-acid change (valine 1447 retained).
Molecular consequence: synonymous variant.
Genome position (GRCh38, 1-based): chr14:104,951,110, C>G on the plus strand (G>C on the coding strand, the complement: AHNAK2 is on the minus strand). VCF-style: chr14-104951110-C-G. GRCh37 (hg19) VCF-style: chr14-105417447-C-G.
Other names: c.4041G>C, p.Val1347= (NM_001350929.2).
Identifiers: ClinVar variation 4872840 (VCV004872840.2).